The following is an entry in ClinVar:

ClinVar aggregate classification (germline): Uncertain significance. Review status: criteria provided, multiple submitters, no conflicts (2 of 4 stars). 2 submissions from 2 submitters: Uncertain significance (2). Last evaluated 2025-04-12.

Conditions:
TRIOBP-related disorder. Also called: TRIOBP-related condition.

Submissions (2):

PreventionGenetics, part of Exact Sciences
Classification: Uncertain significance for TRIOBP-related condition. Last evaluated: 2025-04-12. Review status: criteria provided, single submitter. Criteria: ACMG Guidelines, 2015. Collection method: clinical testing. Allele origin: germline.
Comment: The TRIOBP c.3376C>T variant is predicted to result in the amino acid substitution p.Pro1126Ser. To our knowledge, this variant has not been reported in the literature. This variant is reported in 0.017% of alleles in individuals of African descent in gnomAD. At this time, the clinical significance of this variant is uncertain due to the absence of conclusive functional and genetic evidence.

Blueprint Genetics
Classification: Uncertain significance. Last evaluated: 2024-08-29. Review status: criteria provided, single submitter. Criteria: ACMG Guidelines, 2015. Collection method: clinical testing. Allele origin: germline.

NM_001039141.3(TRIOBP):c.3376C>T (p.Pro1126Ser)

Gene: TRIOBP (TRIO and F-actin binding protein; plus strand). Cytogenetic location: 22q13.1.
Variant type: single nucleotide variant.
Coding change: c.3376C>T on transcript NM_001039141.3 (MANE Select); coding-DNA position 3376, C replaced by T.
Protein change: p.Pro1126Ser; replaces proline 1126 with serine.
Molecular consequence: missense variant.
Genome position (GRCh38, 1-based): chr22:37,725,932, C>T. VCF-style: chr22-37725932-C-T. GRCh37 (hg19) VCF-style: chr22-38121939-C-T.
Other names: c.3376C>T (NM_001039141.2); short protein forms P1126S.
Identifiers: ClinVar variation 4947813 (VCV004947813.2).